The following is an entry in ClinVar:

NM_001110556.2(FLNA):c.991A>T (p.Lys331Ter)

Gene: FLNA (filamin A; minus strand). Cytogenetic location: Xq28.
Variant type: single nucleotide variant.
Coding change: c.991A>T on transcript NM_001110556.2 (MANE Select); coding-DNA position 991, A replaced by T.
Protein change: p.Lys331Ter; replaces lysine 331 with a stop codon.
Molecular consequence: nonsense.
Genome position (GRCh38, 1-based): chrX:154,366,636, T>A on the plus strand (A>T on the coding strand, the complement: FLNA is on the minus strand). VCF-style: chrX-154366636-T-A. GRCh37 (hg19) VCF-style: chrX-153595004-T-A.
Other names: c.991A>T, p.Lys331Ter (NM_001456.4); short protein forms K331*.
Identifiers: ClinVar variation 5007535 (VCV005007535.2).

ClinVar aggregate classification (germline): Likely pathogenic (1 of 4 stars; one submission).

Conditions:
Frontometaphyseal dysplasia 1 (FMD1). Also called: Frontometaphyseal Dysplasia (FLNA-FMD). Identifiers: Orphanet 1826, MedGen C4281559, MONDO:0024550, OMIM 305620.
Oto-palato-digital syndrome, type I (OPD1). Also called: OPD I SYNDROME; OPD SYNDROME 1; Otopalatodigital Syndrome, Type I; Otopalatodigital Syndrome Type 1 (FLNA-OPD1); Taybi syndrome. Identifiers: Orphanet 669, Orphanet 90650, MedGen C0265251, MONDO:0010704, OMIM 311300.
Oto-palato-digital syndrome, type II (OPD2). Also called: OPD II SYNDROME; Otopalatodigital Syndrome, Type II; Otopalatodigital Syndrome Type 2 (FLNA-OPD2); FACIOPALATOOSSEOUS SYNDROME. Identifiers: Orphanet 669, Orphanet 90652, MedGen C1844696, MONDO:0010571, OMIM 304120.
Melnick-Needles syndrome (MNS). Also called: MELNICK-NEEDLES OSTEODYSPLASTY; OSTEODYSPLASTY OF MELNICK AND NEEDLES; Melnick-Needles Syndrome (FLNA-MNS). Identifiers: Orphanet 2484, MedGen C0025237, MONDO:0010650, OMIM 309350.
FG syndrome 2 (FGS2). Identifiers: MedGen C1845902, MONDO:0010297, OMIM 300321.
Cardiac valvular dysplasia, X-linked (CVDPX). Also called: FLNA-Related X-linked Cardiac Valvular Dysplasia; MYXOMATOUS VALVULAR DYSTROPHY, X-LINKED; Isolated X-Linked Cardiac Valvular Dysplasia; VALVULAR HEART DISEASE, CONGENITAL; Congenital valvular dysplasia. Identifiers: Orphanet 1864, Orphanet 555877, Orphanet 75497, MedGen C0262436, MONDO:0010753, OMIM 314400.
Terminal osseous dysplasia-pigmentary defects syndrome. Also called: ODPD; ODPF SYNDROME; OSSEOUS DYSPLASIA, DIGITAL, WITH FACIAL PIGMENTARY DEFECTS AND MULTIPLE FRENULA; TERMINAL OSSEOUS DYSPLASIA AND PIGMENTARY DEFECTS; Terminal Osseous Dysplasia (FLNA-TOD). Identifiers: Orphanet 88630, MedGen C1846129, MONDO:0010279, OMIM 300244.
Intestinal pseudoobstruction, neuronal, chronic idiopathic, X-linked (CIIPX). Also called: INTESTINAL PSEUDOOBSTRUCTION, NEURONAL, CHRONIC IDIOPATHIC, WITH CENTRAL NERVOUS SYSTEM INVOLVEMENT; FLNA-Related Periventricular Nodular Heterotopia (FLNA-Related PVNH; Huttenlocher Syndrome); CONGENITAL IDIOPATHIC INTESTINAL PSEUDOOBSTRUCTION. Identifiers: Orphanet 2301, MedGen C2746068, MONDO:0010232, OMIM 300048.
Heterotopia, periventricular, X-linked dominant (PVNH1). Also called: PERIVENTRICULAR NODULAR HETEROTOPIA 1; PERIVENTRICULAR NODULAR HETEROTOPIA 4; HETEROTOPIA, PERIVENTRICULAR, 1; X-linked periventricular heterotopia. Identifiers: Orphanet 2149, Orphanet 82004, MedGen C1848213, MONDO:0010233, OMIM 300049.

Submission:

Juno Genomics, Hangzhou Juno Genomics, Inc
Classification: Likely pathogenic for Heterotopia, periventricular, X-linked dominant; Terminal osseous dysplasia-pigmentary defects syndrome; FG syndrome 2; Cardiac valvular dysplasia, X-linked; Intestinal pseudoobstruction, neuronal, chronic idiopathic, X-linked; Frontometaphyseal dysplasia 1; Melnick-Needles syndrome; Oto-palato-digital syndrome, type I; Oto-palato-digital syndrome, type II. Review status: criteria provided, single submitter. Criteria: ACMG Guidelines, 2015. Collection method: clinical testing. Allele origin: germline.
Comment: Null variant in a gene where loss of function (LOF) is a known mechanism of disease.;Absent from controls (or at extremely low frequency if recessive) in Genome Aggregation Database.